The following is an entry in ClinVar:

ClinVar aggregate classification (germline): Conflicting classifications of pathogenicity. Review status: criteria provided, conflicting classifications (1 of 4 stars). 7 submissions from 7 submitters: Uncertain significance (1); Benign (1); Likely benign (5). Last evaluated 2026-07-09.

Conditions:
Hereditary cancer-predisposing syndrome. Also called: Tumor predisposition; Neoplastic Syndromes, Hereditary; Hereditary Cancer Syndrome; Hereditary neoplastic syndrome. Identifiers: Orphanet 140162, MedGen C0027672, MeSH D009386, MONDO:0015356.
Rhabdoid tumor predisposition syndrome 2 (RTPS2). Identifiers: Orphanet 231108, Orphanet 69077, MedGen C2750074, MONDO:0013224, OMIM 613325.

Allele frequency attached by ClinVar (database versions not stated): gnomAD 0.00003 and 0.00004; gnomAD exomes 0.00001; TOPMed 0.00003.
gnomAD v4.1: 19 of 1,611,540 alleles (0.0012%); highest among the groups gnomAD compares: African/African-American, 0.011%; no homozygotes.

Submissions (7):

Myriad Genetics, Inc.
Classification: Benign for Rhabdoid tumor predisposition syndrome 2. Last evaluated: 2026-07-09. Review status: criteria provided, single submitter. Criteria: Myriad Autosomal Dominant, Autosomal Recessive and X-Linked Classification Criteria (2023). Collection method: clinical testing. Allele origin: unknown.
Comment: This variant is considered benign. This variant is a silent/synonymous amino acid change and it is not expected to impact splicing.

Labcorp Genetics (formerly Invitae), Labcorp
Classification: Likely benign for Rhabdoid tumor predisposition syndrome 2. Last evaluated: 2025-11-23. Review status: criteria provided, single submitter. Criteria: Invitae Variant Classification Sherloc (09022015). Collection method: clinical testing. Allele origin: germline.

CeGaT Center for Human Genetics Tuebingen
Classification: Likely benign. Last evaluated: 2024-12-01. Review status: criteria provided, single submitter. Criteria: CeGaT Center For Human Genetics Tuebingen Variant Classification Criteria Version 2. Collection method: clinical testing. Allele origin: germline. Affected: yes. Observed: 1 variant allele.
Comment: SMARCA4: BP4, BP7

Quest Diagnostics Nichols Institute San Juan Capistrano
Classification: Uncertain significance. Last evaluated: 2024-04-15. Review status: criteria provided, single submitter. Criteria: Quest Diagnostics criteria. Collection method: clinical testing. Allele origin: unknown.
Comment: The SMARCA4 c.801C>T (p.Gly267=) synonymous variant has not been reported in individuals with SMARCA4-related conditions in the published literature. The frequency of this variant in the general population, 0.0000081 (2/248158 chromosomes (Genome Aggregation Database)), is uninformative in the assessment of its pathogenicity. Analysis of this variant using software algorithms for the prediction of the effect of nucleotide changes on SMARCA4 mRNA splicing yielded predictions that this variant may result in the gain of a cryptic splice site without affecting the natural splice sites. Based on the available information, we are unable to determine the clinical significance of this variant.

Blueprint Genetics
Classification: Likely benign. Last evaluated: 2021-11-30. Review status: criteria provided, single submitter. Criteria: ACMG Guidelines, 2015. Collection method: clinical testing. Allele origin: germline.

GeneDx
Classification: Likely benign. Last evaluated: 2018-01-25. Review status: criteria provided, single submitter. Criteria: GeneDx Variant Classification (06012015). Collection method: clinical testing. Allele origin: germline. Affected: yes.
Comment: This variant is considered likely benign or benign based on one or more of the following criteria: it is a conservative change, it occurs at a poorly conserved position in the protein, it is predicted to be benign by multiple in silico algorithms, and/or has population frequency not consistent with disease.

Ambry Genetics
Classification: Likely benign for Hereditary cancer-predisposing syndrome. Last evaluated: 2015-10-15. Review status: criteria provided, single submitter. Criteria: Ambry Variant Classification Scheme 2023. Collection method: clinical testing. Allele origin: germline.

NM_003072.5(SMARCA4):c.801C>T (p.Gly267=)

Gene: SMARCA4 (SWI/SNF related BAF chromatin remodeling complex subunit ATPase 4; plus strand). Cytogenetic location: 19p13.2.
Variant type: single nucleotide variant.
Coding change: c.801C>T on transcript NM_003072.5 (MANE Select); coding-DNA position 801, C replaced by T.
Protein change: p.Gly267=; no amino-acid change (glycine 267 retained).
Molecular consequence: synonymous variant. On other transcripts: non-coding transcript variant (1).
Genome position (GRCh38, 1-based): chr19:10,986,945, C>T. VCF-style: chr19-10986945-C-T. GRCh37 (hg19) VCF-style: chr19-11097621-C-T.
Other names: c.801C>T, p.Gly267= (NM_001128844.3, NM_001128845.2, NM_001128846.2 and 5 more transcripts).
Identifiers: ClinVar variation 470462 (VCV000470462.31), dbSNP rs539124305, ClinGen allele CA305287144.